The following is an entry in ClinVar:

ClinVar aggregate classification (germline): Likely benign. Review status: criteria provided, multiple submitters, no conflicts (2 of 4 stars). 3 submissions from 3 submitters: Likely benign (3). Last evaluated 2026-07-10.

Conditions:
COL9A3-related disorder. Also called: COL9A3-related condition.

Allele frequency attached by ClinVar (database versions not stated): gnomAD 0.00001; TOPMed 0.00001; ExAC 0.00002; ESP Exome Variant Server 0.00008.
gnomAD v4.1: 13 of 1,612,126 alleles (0.00081%); highest among the groups gnomAD compares: African/African-American, 0.0053%; no homozygotes.

Submissions (3):

PreventionGenetics, part of Exact Sciences
Classification: Likely benign for COL9A3-related condition. Last evaluated: 2026-07-10. Review status: criteria provided, single submitter. Criteria: ACMG Guidelines, 2015. Collection method: clinical testing. Allele origin: germline.
Comment: This variant is classified as likely benign based on ACMG/AMP sequence variant interpretation guidelines (Richards et al. 2015 PMID: 25741868, with internal and published modifications).

Labcorp Genetics (formerly Invitae), Labcorp
Classification: Likely benign. Last evaluated: 2025-11-04. Review status: criteria provided, single submitter. Criteria: Invitae Variant Classification Sherloc (09022015). Collection method: clinical testing. Allele origin: germline.

Blueprint Genetics
Classification: Likely benign. Last evaluated: 2024-10-15. Review status: criteria provided, single submitter. Criteria: ACMG Guidelines, 2015. Collection method: clinical testing. Allele origin: germline.

NM_001853.4(COL9A3):c.1737C>T (p.Pro579=)

Gene: COL9A3 (collagen type IX alpha 3 chain; plus strand). Cytogenetic location: 20q13.33.
Variant type: single nucleotide variant.
Coding change: c.1737C>T on transcript NM_001853.4 (MANE Select); coding-DNA position 1737, C replaced by T.
Protein change: p.Pro579=; no amino-acid change (proline 579 retained).
Molecular consequence: synonymous variant.
Genome position (GRCh38, 1-based): chr20:62,837,216, C>T. VCF-style: chr20-62837216-C-T. GRCh37 (hg19) VCF-style: chr20-61468568-C-T.
Other names: c.1737C>T (NM_001853.3).
Identifiers: ClinVar variation 1651518 (VCV001651518.10), dbSNP rs147018733, ClinGen allele CA9950174.